The following is an entry in ClinVar:

NM_182914.3(SYNE2):c.5840G>C (p.Arg1947Thr)

Gene: SYNE2 (spectrin repeat containing nuclear envelope protein 2; plus strand). Cytogenetic location: 14q23.2.
Variant type: single nucleotide variant.
Coding change: c.5840G>C on transcript NM_182914.3 (MANE Select); coding-DNA position 5840, G replaced by C.
Protein change: p.Arg1947Thr; replaces arginine 1947 with threonine.
Molecular consequence: missense variant.
Genome position (GRCh38, 1-based): chr14:64,024,459, G>C. VCF-style: chr14-64024459-G-C. GRCh37 (hg19) VCF-style: chr14-64491177-G-C.
Other names: c.5840G>C, p.Arg1947Thr (NM_015180.6); short protein forms R1947T.
Identifiers: ClinVar variation 3651381 (VCV003651381.2).

ClinVar aggregate classification (germline): Uncertain significance (1 of 4 stars; one submission).

Conditions:
Emery-Dreifuss muscular dystrophy 5, autosomal dominant (EDMD5). Also called: EMERY-DREIFUSS MUSCULAR DYSTROPHY 5. Identifiers: Orphanet 261, MedGen C2751805, MONDO:0013072, OMIM 612999.

Submission:

Labcorp Genetics (formerly Invitae), Labcorp
Classification: Uncertain significance for Emery-Dreifuss muscular dystrophy 5, autosomal dominant. Last evaluated: 2024-04-27. Review status: criteria provided, single submitter. Criteria: Invitae Variant Classification Sherloc (09022015). Collection method: clinical testing. Allele origin: germline.
Comment: This sequence change replaces arginine, which is basic and polar, with threonine, which is neutral and polar, at codon 1947 of the SYNE2 protein (p.Arg1947Thr). This variant also falls at the last nucleotide of exon 39, which is part of the consensus splice site for this exon. This variant is not present in population databases (gnomAD no frequency). This variant has not been reported in the literature in individuals affected with SYNE2-related conditions. An algorithm developed to predict the effect of missense changes on protein structure and function (PolyPhen-2) suggests that this variant is likely to be disruptive. Variants that disrupt the consensus splice site are a relatively common cause of aberrant splicing (PMID: 17576681, 9536098). Algorithms developed to predict the effect of sequence changes on RNA splicing suggest that this variant may disrupt the consensus splice site. In summary, the available evidence is currently insufficient to determine the role of this variant in disease. Therefore, it has been classified as a Variant of Uncertain Significance.

Literature cited by the submitters: PubMed 17576681; PubMed 9536098.